The following is an entry in ClinVar:

NC_000015.9:g.(?_38545387)_(38591768_?)dup

Gene: SPRED1 (sprouty related EVH1 domain containing 1; plus strand). Cytogenetic location: 15q14.
Variant type: Duplication.
Identifiers: ClinVar variation 2427395 (VCV002427395.5).

ClinVar aggregate classification (germline): Uncertain significance (1 of 4 stars; one submission).

Conditions:
Legius syndrome. Identifiers: Orphanet 137605, MedGen C1969623, MONDO:0012669, OMIM 611431. Disease mechanism: loss of function.

Submission:

Labcorp Genetics (formerly Invitae), Labcorp
Classification: Uncertain significance for Legius syndrome. Last evaluated: 2022-02-23. Review status: criteria provided, single submitter. Criteria: Invitae Variant Classification Sherloc (09022015). Collection method: clinical testing. Allele origin: germline.
Comment: In summary, the available evidence is currently insufficient to determine the role of this variant in disease. Therefore, it has been classified as a Variant of Uncertain Significance. Experimental studies and prediction algorithms are not available or were not evaluated, and the functional significance of this variant is currently unknown. This variant has not been reported in the literature in individuals affected with SPRED1-related conditions. This variant results in a copy number gain of the genomic region encompassing exon(s) 1-2 of the SPRED1 gene. This region includes the initiator codon of the gene. This copy number gain extends beyond the assayed region for this gene and therefore may encompass additional genes. As the precise location of this event is unknown, it may be in tandem or it may be located elsewhere in the genome.